The following is an entry in ClinVar:

NM_000059.4(BRCA2):c.2554A>C (p.Asn852His)

Gene: BRCA2 (BRCA2 DNA repair associated; plus strand). Cytogenetic location: 13q13.1.
Variant type: single nucleotide variant.
Coding change: c.2554A>C on transcript NM_000059.4 (MANE Select); coding-DNA position 2554, A replaced by C.
Protein change: p.Asn852His; replaces asparagine 852 with histidine.
Molecular consequence: missense variant.
Genome position (GRCh38, 1-based): chr13:32,336,909, A>C. VCF-style: chr13-32336909-A-C. GRCh37 (hg19) VCF-style: chr13-32911046-A-C.
Other names: 2782A>C; short protein forms N852H.
Identifiers: ClinVar variation 252822 (VCV000252822.30), dbSNP rs775531301, ClinGen allele CA6940612.
Genomic context (GRCh38, chr13:32,336,909, plus strand): 5'-GAGCTGTTGCCACCTGAAAAATACATGAGAGTAGCATCACCTTCAAGAAAGGTACAATTC[A>C]ACCAAAACACAAATCTAAGAGTAATCCAAAAAAATCAAGAAGAAACTACTTCAATTTCAA-3'
Protein context (NP_000050.3, residues 842-862): VASPSRKVQF[Asn852His]QNTNLRVIQK

ClinVar aggregate classification (germline): Conflicting classifications of pathogenicity. Review status: criteria provided, conflicting classifications (1 of 4 stars). 11 submissions from 11 submitters: Uncertain significance (8); Likely benign (2). 1 of the submissions does not count toward it. Last evaluated 2025-12-01.

Conditions:
BRCA2-related cancer predisposition. Identifiers: MedGen CN377758, MONDO:0700269.
Hereditary cancer-predisposing syndrome. Also called: Neoplastic Syndromes, Hereditary; Tumor predisposition; Hereditary neoplastic syndrome; Hereditary Cancer Syndrome. Identifiers: Orphanet 140162, MedGen C0027672, MeSH D009386, MONDO:0015356.
Hereditary breast ovarian cancer syndrome. Also called: Hereditary breast and/or ovarian cancer syndrome; Hereditary breast and ovarian cancer; Hereditary breast and ovarian cancer syndrome; Hereditary breast and ovarian cancer syndrome (HBOC); Breast and ovarian cancer; BRCA1- and BRCA2-Associated Hereditary Breast and Ovarian Cancer. Identifiers: Orphanet 145, MedGen C0677776, MeSH D061325, MONDO:0003582. Disease mechanism: loss of function.
Breast-ovarian cancer, familial, susceptibility to, 2 (BROVCA2). Also called: BRCA2 Hereditary Breast and Ovarian Cancer. Identifiers: Orphanet 145, MedGen C2675520, MONDO:0012933, OMIM 612555. Disease mechanism: loss of function.

Allele frequency attached by ClinVar (database versions not stated): gnomAD exomes 0.00001; ExAC 0.00002.
gnomAD v4.1: 3 of 1,607,762 alleles (0.00019%); highest among the groups gnomAD compares: Middle Eastern, 0.033%; no homozygotes.

Submissions (11):

Women's Health and Genetics/Laboratory Corporation of America, LabCorp
Classification: Uncertain significance. Last evaluated: 2025-12-01. Review status: criteria provided, single submitter. Criteria: LabCorp Variant Classification Summary - May 2015. Collection method: clinical testing. Allele origin: germline.
Comment: Variant summary: BRCA2 c.2554A>C (p.Asn852His) results in a conservative amino acid change in the encoded protein sequence. Algorithms developed to predict the effect of missense changes on protein structure and function all suggest that this variant is likely to be tolerated. The variant allele was found at a frequency of 8.2e-06 in 243058 control chromosomes. The available data on variant occurrences in the general population are insufficient to allow any conclusion about variant significance. To our knowledge, no occurrence of c.2554A>C in individuals affected with BRCA2-related conditions and no experimental evidence demonstrating its impact on protein function have been reported. ClinVar contains an entry for this variant (Variation ID: 252822). Based on the evidence outlined above, the variant was classified as uncertain significance.

Labcorp Genetics (formerly Invitae), Labcorp
Classification: Uncertain significance for Hereditary breast ovarian cancer syndrome. Last evaluated: 2025-10-23. Review status: criteria provided, single submitter. Criteria: Invitae Variant Classification Sherloc (09022015). Collection method: clinical testing. Allele origin: germline.
Comment: This sequence change replaces asparagine, which is neutral and polar, with histidine, which is basic and polar, at codon 852 of the BRCA2 protein (p.Asn852His). This variant is present in population databases (rs775531301, gnomAD 0.004%). This variant has not been reported in the literature in individuals affected with BRCA2-related conditions. ClinVar contains an entry for this variant (Variation ID: 252822). Invitae Evidence Modeling of protein sequence and biophysical properties (such as structural, functional, and spatial information, amino acid conservation, physicochemical variation, residue mobility, and thermodynamic stability) indicates that this missense variant is not expected to disrupt BRCA2 protein function with a negative predictive value of 95%. In summary, the available evidence is currently insufficient to determine the role of this variant in disease. Therefore, it has been classified as a Variant of Uncertain Significance.

GeneDx
Classification: Uncertain significance. Last evaluated: 2024-11-17. Review status: criteria provided, single submitter. Criteria: GeneDx Variant Classification Process June 2021. Collection method: clinical testing. Allele origin: germline. Affected: yes.
Comment: Not observed at significant frequency in large population cohorts (gnomAD); In silico analysis supports that this missense variant has a deleterious effect on protein structure/function; Has not been previously published as pathogenic or benign to our knowledge; Also known as 2782A>C; This variant is associated with the following publications: (PMID: ZickA2015[article])

Color Diagnostics, LLC DBA Color Health
Classification: Likely benign for Hereditary cancer-predisposing syndrome. Last evaluated: 2024-10-21. Review status: criteria provided, single submitter. Criteria: ACMG Guidelines, 2015. Collection method: clinical testing. Allele origin: germline.

Quest Diagnostics Nichols Institute San Juan Capistrano
Classification: Uncertain significance. Last evaluated: 2024-05-23. Review status: criteria provided, single submitter. Criteria: Quest Diagnostics criteria. Collection method: clinical testing. Allele origin: unknown.
Comment: The BRCA2 c.2554A>C (p.Asn852His) variant has been reported to be located in a region of the BRCA2 gene that is tolerant to missense sequence changes (PMID: 31911673 (2020)). This variant has also been identified in an individual with breast cancer (Zick et al, Open Med J (2015) 2:31-6). The frequency of this variant in the general population, 0.0000082 (2/243058 chromosomes (Genome Aggregation Database)), is uninformative in the assessment of its pathogenicity. Analysis of this variant using bioinformatics tools for the prediction of the effect of amino acid changes on protein structure and function yielded predictions that this variant is benign. Based on the available information, we are unable to determine the clinical significance of this variant.

All of Us Research Program, National Institutes of Health
Classification: Uncertain significance for BRCA2-related cancer predisposition. Last evaluated: 2024-04-10. Review status: criteria provided, single submitter. Criteria: ACMG Guidelines, 2015. Collection method: clinical testing. Allele origin: germline. Inheritance: Autosomal dominant inheritance. Observed: 1 variant allele, 1 heterozygote.
Comment: This missense variant replaces asparagine with histidine at codon 852 of the BRCA2 protein. Computational prediction suggests that this variant may not impact protein structure and function (internally defined REVEL score threshold <= 0.5, PMID: 27666373). To our knowledge, functional studies have not been reported for this variant. This variant has been reported in an individual affected with breast cancer in the literature (DOI: 10.2174/1874220301401010031). This variant has been identified in 2/243058 chromosomes in the general population by the Genome Aggregation Database (gnomAD). The available evidence is insufficient to determine the role of this variant in disease conclusively. Therefore, this variant is classified as a Variant of Uncertain Significance.

This study involves interpretation of variants in research participants for the purpose of population health screening. Participant phenotype was not available at the time of variant classification. Additional details can be found in publication PMID: 35346344, PMCID: PMC8962531

Blueprint Genetics
Classification: Uncertain significance. Last evaluated: 2023-08-25. Review status: criteria provided, single submitter. Criteria: ACMG Guidelines, 2015. Collection method: clinical testing. Allele origin: germline.

Ambry Genetics
Classification: Uncertain significance for Hereditary cancer-predisposing syndrome. Last evaluated: 2023-07-23. Review status: criteria provided, single submitter. Criteria: Ambry Variant Classification Scheme 2023. Collection method: clinical testing. Allele origin: germline.
Comment: The p.N852H variant (also known as c.2554A>C), located in coding exon 10 of the BRCA2 gene, results from an A to C substitution at nucleotide position 2554. The asparagine at codon 852 is replaced by histidine, an amino acid with similar properties. This amino acid position is not well conserved in available vertebrate species. In addition, this alteration is predicted to be tolerated by in silico analysis. Since supporting evidence is limited at this time, the clinical significance of this alteration remains unclear.

KCCC/NGS Laboratory, Kuwait Cancer Control Center
Classification: Uncertain significance for Breast-ovarian cancer, familial, susceptibility to, 2. Last evaluated: 2023-06-06. Review status: criteria provided, single submitter. Criteria: ACMG Guidelines, 2015. Collection method: clinical testing. Allele origin: germline. Affected: yes.
Comment: A variant of uncertain significance was detected in the BRCA2 gene (c.2554A>C). This sequence change replaces asparagine with histidine at codon 852 of the BRCA2 protein (p.Asn852His). This variant is present in population databases (rs775531301, ExAC 0.006%). This variant has not been reported in the literature in individuals with BRCA2-related disease. ClinVar contains an entry for this variant (Variation ID: 252822) with 5 submissions. In-silico prediction show benign computational verdict based on 8 benign predictions from PolyPhen, BayesDel_addAF, DANN, EIGEN, FATHMM-MKL, M-CAP, MVP, MutationTaster and PrimateAI vs 1 pathogenic prediction from SIFT and the position is not strongly conserved. No published functional studies found in the literature. Therefore, it has been classified as a Variant of Uncertain Significance.

University of Washington Department of Laboratory Medicine, University of Washington
Classification: Likely benign for Hereditary cancer-predisposing syndrome. Last evaluated: 2023-03-23. Review status: criteria provided, single submitter. Criteria: Dines et al. (Genet Med. 2020). Collection method: curation. Allele origin: germline.
Comment: Missense variant in a coldspot region where missense variants are very unlikely to be pathogenic (PMID:31911673).

BRCA2 exon 11 coldspot. Reclassification based on statistical prior probability.

Sharing Clinical Reports Project (SCRP)
Classification: Uncertain significance for Breast-ovarian cancer, familial 2. Last evaluated: 2012-04-23. Review status: no assertion criteria provided. Collection method: clinical testing. Allele origin: germline. Not counted in ClinVar's aggregate classification.

Literature cited by the submitters: PubMed 31911673 (cited by Quest Diagnostics Nichols Institute San Juan Capistrano).